The following is an entry in ClinVar:

ClinVar aggregate classification (germline): Uncertain significance (1 of 4 stars; one submission).

Conditions:
Early-infantile DEE. Also called: Early infantile epileptic encephalopathy; Ohtahara syndrome; Early infantile epileptic encephalopathy with suppression bursts. Identifiers: Orphanet 1934, MedGen C0393706, MONDO:0800491.

gnomAD v4.1: 16 of 1,302,012 alleles (0.0012%); highest among the groups gnomAD compares: South Asian, 0.013%; no homozygotes.

Submission:

Labcorp Genetics (formerly Invitae), Labcorp
Classification: Uncertain significance for Early-infantile DEE. Last evaluated: 2025-07-21. Review status: criteria provided, single submitter. Criteria: Invitae Variant Classification Sherloc (09022015). Collection method: clinical testing. Allele origin: germline.
Comment: This sequence change replaces arginine, which is basic and polar, with leucine, which is neutral and non-polar, at codon 38 of the HCN1 protein (p.Arg38Leu). This variant is present in population databases (rs761449013, gnomAD 0.01%). This variant has not been reported in the literature in individuals affected with HCN1-related conditions. ClinVar contains an entry for this variant (Variation ID: 3610994). Invitae Evidence Modeling of protein sequence and biophysical properties (such as structural, functional, and spatial information, amino acid conservation, physicochemical variation, residue mobility, and thermodynamic stability) indicates that this missense variant is not expected to disrupt HCN1 protein function with a negative predictive value of 95%. In summary, the available evidence is currently insufficient to determine the role of this variant in disease. Therefore, it has been classified as a Variant of Uncertain Significance.

NM_021072.4(HCN1):c.113G>T (p.Arg38Leu)

Gene: HCN1 (hyperpolarization activated cyclic nucleotide gated potassium channel 1; minus strand). Cytogenetic location: 5p12.
Variant type: single nucleotide variant.
Coding change: c.113G>T on transcript NM_021072.4 (MANE Select); coding-DNA position 113, G replaced by T.
Protein change: p.Arg38Leu; replaces arginine 38 with leucine.
Molecular consequence: missense variant.
Genome position (GRCh38, 1-based): chr5:45,695,981, C>A on the plus strand (G>T on the coding strand, the complement: HCN1 is on the minus strand). VCF-style: chr5-45695981-C-A. GRCh37 (hg19) VCF-style: chr5-45696083-C-A.
Other names: short protein forms R38L.
Identifiers: ClinVar variation 3610994 (VCV003610994.2).